The following is an entry in ClinVar:

NM_033641.4(COL4A6):c.3139-4G>A

Gene: COL4A6 (collagen type IV alpha 6 chain; minus strand). Cytogenetic location: Xq22.3.
Variant type: single nucleotide variant.
Coding change: c.3139-4G>A on transcript NM_033641.4 (MANE Select); 4 bases into the intron before coding-DNA position 3139, G replaced by A.
Molecular consequence: intron variant.
Genome position (GRCh38, 1-based): chrX:108,172,536, C>T on the plus strand (G>A on the coding strand, the complement: COL4A6 is on the minus strand). VCF-style: chrX-108172536-C-T. GRCh37 (hg19) VCF-style: chrX-107415766-C-T.
Other names: p.?; c.3142-4G>A (NM_001847.4); c.3139-4G>A (NM_001287760.2, NM_001287759.2); c.3190-4G>A (NM_001287758.2).
Identifiers: ClinVar variation 258272 (VCV000258272.16), dbSNP rs185777707, ClinGen allele CA10487484.

ClinVar aggregate classification (germline): Benign/Likely benign. Review status: criteria provided, multiple submitters, no conflicts (2 of 4 stars). 7 submissions from 7 submitters: Benign (6); Likely benign (1). Last evaluated 2026-01-12.

Conditions:
Hearing loss, X-linked 6. Also called: Deafness, X-linked 6. Identifiers: Orphanet 90625, MedGen C3806737, MONDO:0010484, OMIM 300914.

Allele frequency attached by ClinVar (database versions not stated): 1000 Genomes Project 0.00291; 1000 Genomes Project 30x 0.00312; ESP Exome Variant Server 0.00587; TOPMed 0.00614; gnomAD 0.00664 and 0.00750; gnomAD exomes 0.00699; ExAC 0.00718.
gnomAD v4.1: 10,156 of 1,194,948 alleles (0.85%); highest among the groups gnomAD compares: Non-Finnish European, 0.94%; 51 homozygotes.

Submissions (7):

Labcorp Genetics (formerly Invitae), Labcorp
Classification: Benign. Last evaluated: 2026-01-12. Review status: criteria provided, single submitter. Criteria: Invitae Variant Classification Sherloc (09022015). Collection method: clinical testing. Allele origin: germline.

Blueprint Genetics
Classification: Likely benign. Last evaluated: 2024-11-25. Review status: criteria provided, single submitter. Criteria: ACMG Guidelines, 2015. Collection method: clinical testing. Allele origin: germline.

Mayo Clinic Laboratories, Mayo Clinic
Classification: Benign. Last evaluated: 2024-10-31. Review status: criteria provided, single submitter. Criteria: ACMG Guidelines, 2015. Collection method: clinical testing. Allele origin: germline. Observed: 3 variant alleles.
Comment: BS1, BS2, BP7

Genome-Nilou Lab
Classification: Benign for Hearing loss, X-linked 6. Last evaluated: 2022-03-15. Review status: criteria provided, single submitter. Criteria: ACMG Guidelines, 2015. Collection method: clinical testing. Allele origin: germline. Affected: no.

GeneDx
Classification: Benign. Last evaluated: 2017-06-06. Review status: criteria provided, single submitter. Criteria: GeneDx Variant Classification (06012015). Collection method: clinical testing. Allele origin: germline. Affected: yes.
Comment: This variant is considered likely benign or benign based on one or more of the following criteria: it is a conservative change, it occurs at a poorly conserved position in the protein, it is predicted to be benign by multiple in silico algorithms, and/or has population frequency not consistent with disease.

Breakthrough Genomics
Classification: Benign. Review status: criteria provided, single submitter. Criteria: ACMG Guidelines, 2015. Collection method: not provided. Allele origin: germline. Inheritance: X-linked inheritance. Affected: yes.

PreventionGenetics, part of Exact Sciences
Classification: Benign. Review status: criteria provided, single submitter. Criteria: ACMG Guidelines, 2015. Collection method: clinical testing. Allele origin: germline.